The following is an entry in ClinVar:

ClinVar aggregate classification (germline): Uncertain significance. Review status: criteria provided, multiple submitters, no conflicts (2 of 4 stars). 2 submissions from 2 submitters: Uncertain significance (2). Last evaluated 2025-05-14.

Conditions:
Inborn genetic diseases. Identifiers: MedGen C0950123, MeSH D030342.

Allele frequency attached by ClinVar (database versions not stated): TOPMed 0.00006; gnomAD 0.00002 and 0.00001; 1000 Genomes Project 30x 0.00016; gnomAD exomes 0.00020.
gnomAD v4.1: 32 of 1,510,702 alleles (0.0021%); highest among the groups gnomAD compares: Admixed American, 0.064%; no homozygotes.

Submissions (2):

Ambry Genetics
Classification: Uncertain significance for Inborn genetic diseases. Last evaluated: 2025-05-14. Review status: criteria provided, single submitter. Criteria: Ambry Variant Classification Scheme 2023. Collection method: clinical testing. Allele origin: germline.

Labcorp Genetics (formerly Invitae), Labcorp
Classification: Uncertain significance. Last evaluated: 2021-11-19. Review status: criteria provided, single submitter. Criteria: Invitae Variant Classification Sherloc (09022015). Collection method: clinical testing. Allele origin: germline.
Comment: In summary, the available evidence is currently insufficient to determine the role of this variant in disease. Therefore, it has been classified as a Variant of Uncertain Significance. This sequence change replaces glutamic acid, which is acidic and polar, with aspartic acid, which is acidic and polar, at codon 41 of the RETREG1 protein (p.Glu41Asp). This variant is present in population databases (no rsID available, gnomAD 0.09%). This variant has not been reported in the literature in individuals affected with RETREG1-related conditions. Algorithms developed to predict the effect of missense changes on protein structure and function are either unavailable or do not agree on the potential impact of this missense change (SIFT: "Tolerated"; PolyPhen-2: "Not Available"; Align-GVGD: "Class C0").

NM_001034850.3(RETREG1):c.123G>C (p.Glu41Asp)

Genes: RETREG1 (reticulophagy regulator 1; minus strand), RETREG1-AS1 (RETREG1 antisense RNA 1; plus strand), LOC129993734 (ATAC-STARR-seq lymphoblastoid silent region 15947; plus strand). Cytogenetic location: 5p15.1.
Variant type: single nucleotide variant.
Coding change: c.123G>C on transcript NM_001034850.3 (MANE Select); coding-DNA position 123, G replaced by C.
Protein change: p.Glu41Asp; replaces glutamic acid 41 with aspartic acid.
Molecular consequence: missense variant.
Genome position (GRCh38, 1-based): chr5:16,616,849, C>G on the plus strand (G>C on the coding strand, the complement: RETREG1 is on the minus strand). VCF-style: chr5-16616849-C-G. GRCh37 (hg19) VCF-style: chr5-16616958-C-G.
Other names: c.123G>C (NM_001034850.1); short protein forms E41D.
Identifiers: ClinVar variation 1492164 (VCV001492164.7), dbSNP rs965129261, ClinGen allele CA114976553.